The following is an entry in ClinVar:

NM_006267.5(RANBP2):c.2997A>G (p.Ile999Met)

Gene: RANBP2 (RAN binding protein 2; plus strand). Cytogenetic location: 2q13.
Variant type: single nucleotide variant.
Coding change: c.2997A>G on transcript NM_006267.5 (MANE Select); coding-DNA position 2997, A replaced by G.
Protein change: p.Ile999Met; replaces isoleucine 999 with methionine.
Molecular consequence: missense variant.
Genome position (GRCh38, 1-based): chr2:108,763,536, A>G. VCF-style: chr2-108763536-A-G. GRCh37 (hg19) VCF-style: chr2-109379992-A-G.
Other names: short protein forms I999M.
Identifiers: ClinVar variation 469444 (VCV000469444.10), dbSNP rs201152981, ClinGen allele CA1822854.

ClinVar aggregate classification (germline): Uncertain significance. Review status: criteria provided, multiple submitters, no conflicts (2 of 4 stars). 2 submissions from 2 submitters: Uncertain significance (2). Last evaluated 2025-08-14.

Conditions:
Familial acute necrotizing encephalopathy (IIAE3). Also called: Susceptibility to Acute Necrotizing Encephalopathy 1; ENCEPHALOPATHY, ACUTE, INFECTION-INDUCED, SUSCEPTIBILITY TO, 3. Identifiers: Orphanet 88619, MedGen C2675556, MONDO:0011953, OMIM 608033.

Allele frequency attached by ClinVar (database versions not stated): ExAC 0.00011; gnomAD exomes 0.00012 and 0.00021; gnomAD 0.00013; TOPMed 0.00015; 1000 Genomes Project 0.00020; 1000 Genomes Project 30x 0.00031.
gnomAD v4.1: 323 of 1,614,166 alleles (0.02%); highest among the groups gnomAD compares: Non-Finnish European, 0.026%; no homozygotes.

Submissions (2):

Ambry Genetics
Classification: Uncertain significance. Last evaluated: 2025-08-14. Review status: criteria provided, single submitter. Criteria: Ambry Variant Classification Scheme 2023. Collection method: clinical testing. Allele origin: germline.

Labcorp Genetics (formerly Invitae), Labcorp
Classification: Uncertain significance for Familial acute necrotizing encephalopathy. Last evaluated: 2024-10-15. Review status: criteria provided, single submitter. Criteria: Invitae Variant Classification Sherloc (09022015). Collection method: clinical testing. Allele origin: germline.
Comment: This sequence change replaces isoleucine, which is neutral and non-polar, with methionine, which is neutral and non-polar, at codon 999 of the RANBP2 protein (p.Ile999Met). This variant is present in population databases (rs201152981, gnomAD 0.03%). This variant has not been reported in the literature in individuals affected with RANBP2-related conditions. ClinVar contains an entry for this variant (Variation ID: 469444). An algorithm developed to predict the effect of missense changes on protein structure and function outputs the following: PolyPhen-2: "Benign". The methionine amino acid residue is found in multiple mammalian species, which suggests that this missense change does not adversely affect protein function. In summary, the available evidence is currently insufficient to determine the role of this variant in disease. Therefore, it has been classified as a Variant of Uncertain Significance.